The following is an entry in ClinVar:

NM_025233.7(COASY):c.239A>G (p.His80Arg)

Gene: COASY (Coenzyme A synthase; plus strand). Cytogenetic location: 17q21.2.
Variant type: single nucleotide variant.
Coding change: c.239A>G on transcript NM_025233.7 (MANE Select); coding-DNA position 239, A replaced by G.
Protein change: p.His80Arg; replaces histidine 80 with arginine.
Molecular consequence: missense variant.
Genome position (GRCh38, 1-based): chr17:42,562,861, A>G. VCF-style: chr17-42562861-A-G. GRCh37 (hg19) VCF-style: chr17-40714879-A-G.
Other names: c.239A>G, p.His80Arg (NM_001042529.3); c.326A>G, p.His109Arg (NM_001042532.4); c.326A>G (NM_001042532.2); short protein forms H109R, H80R.
Identifiers: ClinVar variation 2061879 (VCV002061879.2), dbSNP rs544472330, ClinGen allele CA290797317.

ClinVar aggregate classification (germline): Uncertain significance. Review status: criteria provided, multiple submitters, no conflicts (2 of 4 stars). 2 submissions from 2 submitters: Uncertain significance (2). Last evaluated 2024-02-05.

Conditions:
Neurodegeneration with brain iron accumulation 6 (NBIA6). Also called: COASY protein-associated neurodegeneration. Identifiers: Orphanet 397725, MedGen C4517377, MONDO:0014290, OMIM 615643.

Allele frequency attached by ClinVar (database versions not stated): 1000 Genomes Project 30x 0.00016; 1000 Genomes Project 0.00020.
gnomAD v4.1: 14 of 1,613,400 alleles (0.00087%); highest among the groups gnomAD compares: African/African-American, 0.011%; no homozygotes.

Submissions (2):

Ambry Genetics
Classification: Uncertain significance. Last evaluated: 2024-02-05. Review status: criteria provided, single submitter. Criteria: Ambry Variant Classification Scheme 2023. Collection method: clinical testing. Allele origin: germline.

Labcorp Genetics (formerly Invitae), Labcorp
Classification: Uncertain significance for Neurodegeneration with brain iron accumulation 6. Last evaluated: 2022-02-04. Review status: criteria provided, single submitter. Criteria: Invitae Variant Classification Sherloc (09022015). Collection method: clinical testing. Allele origin: germline.
Comment: This sequence change replaces histidine, which is basic and polar, with arginine, which is basic and polar, at codon 80 of the COASY protein (p.His80Arg). The frequency data for this variant in the population databases is considered unreliable, as metrics indicate poor data quality at this position in the gnomAD database. This variant has not been reported in the literature in individuals affected with COASY-related conditions. Algorithms developed to predict the effect of missense changes on protein structure and function (SIFT, PolyPhen-2, Align-GVGD) all suggest that this variant is likely to be tolerated. In summary, the available evidence is currently insufficient to determine the role of this variant in disease. Therefore, it has been classified as a Variant of Uncertain Significance.